The following is an entry in ClinVar:

ClinVar aggregate classification (germline): Uncertain significance (1 of 4 stars; one submission).

Conditions:
Cardiovascular phenotype. Identifiers: MedGen CN230736.

Submission:

Ambry Genetics
Classification: Uncertain significance for Cardiovascular phenotype. Last evaluated: 2025-03-20. Review status: criteria provided, single submitter. Criteria: Ambry Variant Classification Scheme 2023. Collection method: clinical testing. Allele origin: germline.
Comment: The p.M106K variant (also known as c.317T>A), located in coding exon 3 of the ABCC9 gene, results from a T to A substitution at nucleotide position 317. The methionine at codon 106 is replaced by lysine, an amino acid with similar properties. This amino acid position is well conserved in available vertebrate species. In addition, this alteration is predicted to be deleterious by in silico analysis. Based on the available evidence, the clinical significance of this variant remains unclear.

NM_020297.4(ABCC9):c.317T>A (p.Met106Lys)

Gene: ABCC9 (ATP binding cassette subfamily C member 9; minus strand). Cytogenetic location: 12p12.1.
Variant type: single nucleotide variant.
Coding change: c.317T>A on transcript NM_020297.4 (MANE Select); coding-DNA position 317, T replaced by A.
Protein change: p.Met106Lys; replaces methionine 106 with lysine.
Molecular consequence: missense variant. On other transcripts: 5 prime UTR variant (1).
Genome position (GRCh38, 1-based): chr12:21,926,031, A>T on the plus strand (T>A on the coding strand, the complement: ABCC9 is on the minus strand). VCF-style: chr12-21926031-A-T. GRCh37 (hg19) VCF-style: chr12-22078965-A-T.
Other names: c.317T>A, p.Met106Lys (NM_001377273.1, NM_005691.4); c.-138T>A (NM_001377274.1); short protein forms M106K.
Identifiers: ClinVar variation 3991617 (VCV003991617.1).